The following is an entry in ClinVar:

ClinVar aggregate classification (germline): Conflicting classifications of pathogenicity. Review status: criteria provided, conflicting classifications (1 of 4 stars). 6 submissions from 6 submitters: Uncertain significance (4); Likely benign (2). Last evaluated 2026-09-01.

Conditions:
Intellectual developmental disorder, autosomal recessive 37. Also called: Intellectual disability-hypotonia-spasticity-sleep disorder syndrome. Identifiers: Orphanet 356996, MedGen C3809672, MONDO:0014210, OMIM 615493.

Allele frequency attached by ClinVar (database versions not stated): gnomAD exomes 0.00049 and 0.00045; ExAC 0.00045; ESP Exome Variant Server 0.00015; gnomAD 0.00063 and 0.00101; TOPMed 0.00084.
gnomAD v4.1: 796 of 1,613,984 alleles (0.049%); highest among the groups gnomAD compares: Non-Finnish European, 0.051%; 4 homozygotes.

Submissions (6):

CeGaT Center for Human Genetics Tuebingen
Classification: Likely benign. Last evaluated: 2026-09-01. Review status: criteria provided, single submitter. Criteria: CeGaT Center For Human Genetics Tuebingen Variant Classification Criteria Version 2. Collection method: clinical testing. Allele origin: germline. Affected: yes. Observed: 5 variant alleles.
Comment: ANK3: BS2

Labcorp Genetics (formerly Invitae), Labcorp
Classification: Uncertain significance. Last evaluated: 2026-01-26. Review status: criteria provided, single submitter. Criteria: Invitae Variant Classification Sherloc (09022015). Collection method: clinical testing. Allele origin: germline.
Comment: This sequence change replaces alanine, which is neutral and non-polar, with valine, which is neutral and non-polar, at codon 3312 of the ANK3 protein (p.Ala3312Val). This variant is present in population databases (rs201625904, gnomAD 0.1%), and has an allele count higher than expected for a pathogenic variant. This variant has not been reported in the literature in individuals affected with ANK3-related conditions. ClinVar contains an entry for this variant (Variation ID: 377485). Invitae Evidence Modeling of protein sequence and biophysical properties (such as structural, functional, and spatial information, amino acid conservation, physicochemical variation, residue mobility, and thermodynamic stability) indicates that this missense variant is not expected to disrupt ANK3 protein function with a negative predictive value of 80%. In summary, the available evidence is currently insufficient to determine the role of this variant in disease. Therefore, it has been classified as a Variant of Uncertain Significance.

Blueprint Genetics
Classification: Likely benign. Last evaluated: 2024-11-22. Review status: criteria provided, single submitter. Criteria: ACMG Guidelines, 2015. Collection method: clinical testing. Allele origin: germline.

Baylor Genetics
Classification: Uncertain significance for Intellectual developmental disorder, autosomal recessive 37. Last evaluated: 2018-01-01. Review status: criteria provided, single submitter. Criteria: ACMG Guidelines, 2015. Collection method: clinical testing. Allele origin: maternal. Affected: yes.
Comment: This variant was determined to be of uncertain significance according to ACMG Guidelines, 2015 [PMID:25741868].

GeneDx
Classification: Uncertain significance. Last evaluated: 2016-06-01. Review status: criteria provided, single submitter. Criteria: GeneDx Variant Classification (06012015). Collection method: clinical testing. Allele origin: germline. Affected: yes.
Comment: The A3312V variant in the ANK3 gene has not been reported previously as a pathogenic variant, nor as a benign variant, to our knowledge. The A3312V variant was not observed at any significant frequency in approximately 6,500 individuals of European and African American ancestry in the NHLBI Exome Sequencing Project, indicating it is not a common benign variant in these populations. The A3312V variant is a conservative amino acid substitution, which is not likely to impact secondary protein structure as these residues share similar properties. This substitution occurs at a position that is conserved in mammals. In silico analysis is inconsistent in its predictions as to whether or not the variant is damaging to the protein structure/function. We interpret A3312V as a variant of uncertain significance.

Genetic Services Laboratory, University of Chicago
Classification: Uncertain significance. Last evaluated: 2015-08-17. Review status: criteria provided, single submitter. Criteria: ACMG Guidelines, 2015. Collection method: clinical testing. Allele origin: germline. Affected: no.

NM_020987.5(ANK3):c.9935C>T (p.Ala3312Val)

Gene: ANK3 (ankyrin 3; minus strand). Cytogenetic location: 10q21.2.
Variant type: single nucleotide variant.
Coding change: c.9935C>T on transcript NM_020987.5 (MANE Select); coding-DNA position 9935, C replaced by T.
Protein change: p.Ala3312Val; replaces alanine 3312 with valine.
Molecular consequence: missense variant. On other transcripts: intron variant (4).
Genome position (GRCh38, 1-based): chr10:60,070,946, G>A on the plus strand (C>T on the coding strand, the complement: ANK3 is on the minus strand). VCF-style: chr10-60070946-G-A. GRCh37 (hg19) VCF-style: chr10-61830704-G-A.
Other names: c.4388-2937C>T (NM_001204403.2); c.4409-2937C>T (NM_001204404.2); c.4406-2937C>T (NM_001320874.2); c.1808-2937C>T (NM_001149.4); short protein forms A3312V.
Identifiers: ClinVar variation 377485 (VCV000377485.47), dbSNP rs201625904, ClinGen allele CA5511313.
Genomic context (GRCh38, chr10:60,070,946, plus strand): 5'-TATTTTTTAACTGGGACTGGCTGATAAATAGATTCGTCATCGCTTGAATCACTGACGTCT[G>A]CCCCGGGAGGAACTGGTGAAGGTGGCTGCACTCTAATGACAGGTTCAGCCAGCTGGTACT-3'
Protein context (NP_066267.2, residues 3302-3322): VQPPSPVPPG[Ala3312Val]DVSDSSDDES